The following is an entry in ClinVar:

ClinVar aggregate classification (germline): Uncertain significance (1 of 4 stars; one submission).

Conditions:
Arrhythmogenic cardiomyopathy with wooly hair and keratoderma. Also called: Carvajal syndrome; PALMOPLANTAR KERATODERMA WITH LEFT VENTRICULAR CARDIOMYOPATHY AND WOOLLY HAIR; Dilated cardiomyopathy with woolly hair and keratoderma; Arrhythmogenic cardiomyopathy with woolly hair and keratoderma. Identifiers: Orphanet 65282, MedGen C1854063, MONDO:0011581, OMIM 605676.

Submission:

All of Us Research Program, National Institutes of Health
Classification: Uncertain significance for Arrhythmogenic cardiomyopathy with wooly hair and keratoderma. Last evaluated: 2024-07-29. Review status: criteria provided, single submitter. Criteria: ACMG Guidelines, 2015. Collection method: clinical testing. Allele origin: germline. Inheritance: Autosomal dominant inheritance. Observed: 2 variant alleles, 2 heterozygotes.
Comment: This missense variant replaces arginine with glycine at codon 19 of the DSP protein. Computational prediction suggests that this variant may not impact protein structure and function (internally defined REVEL score threshold <= 0.5, PMID: 27666373). To our knowledge, functional studies have not been reported for this variant. This variant has not been reported in individuals affected with cardiovascular disorders in the literature. This variant has been identified in 2/225776 chromosomes in the general population by the Genome Aggregation Database (gnomAD). The available evidence is insufficient to determine the role of this variant in disease conclusively. Therefore, this variant is classified as a Variant of Uncertain Significance.

This study involves interpretation of variants in research participants for the purpose of population health screening. Participant phenotype was not available at the time of variant classification. Additional details can be found in publication PMID: 35346344, PMCID: PMC8962531

NM_004415.4(DSP):c.55C>G (p.Arg19Gly)

Genes: DSP-AS1 (DSP antisense RNA 1; minus strand), DSP (desmoplakin; plus strand). Cytogenetic location: 6p24.3.
Variant type: single nucleotide variant.
Coding change: c.55C>G on transcript NM_004415.4 (MANE Select); coding-DNA position 55, C replaced by G.
Protein change: p.Arg19Gly; replaces arginine 19 with glycine.
Molecular consequence: missense variant.
Genome position (GRCh38, 1-based): chr6:7,541,970, C>G. VCF-style: chr6-7541970-C-G. GRCh37 (hg19) VCF-style: chr6-7542203-C-G.
Other names: c.55C>G, p.Arg19Gly (NM_001008844.3, NM_001319034.2, NM_001406591.1); short protein forms R19G.
Identifiers: ClinVar variation 3069310 (VCV003069310.2), dbSNP rs777340009, ClinGen allele CA362675608.